The following is an entry in ClinVar:

ClinVar aggregate classification (germline): Uncertain significance (1 of 4 stars; one submission).

Conditions:
Congenital primary aphakia. Also called: Anterior segment dysgenesis 2, multiple subtypes; ANTERIOR SEGMENT DYSGENESIS 2. Identifiers: Orphanet 83461, MedGen C1853230, MONDO:0012456, OMIM 610256.
Anterior segment dysgenesis. Also called: Ocular anterior segment dysgenesis. Identifiers: Orphanet 88632, MedGen C1862839, MONDO:0019503, HP:0007700.

Submission:

Labcorp Genetics (formerly Invitae), Labcorp
Classification: Uncertain significance for Anterior segment dysgenesis; Congenital primary aphakia. Last evaluated: 2022-06-29. Review status: criteria provided, single submitter. Criteria: Invitae Variant Classification Sherloc (09022015). Collection method: clinical testing. Allele origin: germline.
Comment: In summary, the available evidence is currently insufficient to determine the role of this variant in disease. Therefore, it has been classified as a Variant of Uncertain Significance. Algorithms developed to predict the effect of missense changes on protein structure and function are either unavailable or do not agree on the potential impact of this missense change (SIFT: "Deleterious"; PolyPhen-2: "Benign"; Align-GVGD: "Class C0"). This variant has not been reported in the literature in individuals affected with FOXE3-related conditions. This variant is not present in population databases (gnomAD no frequency). This sequence change replaces arginine, which is basic and polar, with leucine, which is neutral and non-polar, at codon 65 of the FOXE3 protein (p.Arg65Leu).

NM_012186.3(FOXE3):c.194G>T (p.Arg65Leu)

Genes: LINC01389 (long independently transcribed non-coding RNA 1389; minus strand), FOXE3 (forkhead box E3; plus strand). Cytogenetic location: 1p33.
Variant type: single nucleotide variant.
Coding change: c.194G>T on transcript NM_012186.3 (MANE Select); coding-DNA position 194, G replaced by T.
Protein change: p.Arg65Leu; replaces arginine 65 with leucine.
Molecular consequence: missense variant.
Genome position (GRCh38, 1-based): chr1:47,416,509, G>T. VCF-style: chr1-47416509-G-T. GRCh37 (hg19) VCF-style: chr1-47882181-G-T.
Other names: short protein forms R65L.
Identifiers: ClinVar variation 1956102 (VCV001956102.5), dbSNP rs1646883510, ClinGen allele CA340249214.